The following is an entry in ClinVar:

ClinVar aggregate classification (germline): Likely benign (0 of 4 stars; one submission).

Conditions:
PCSK1-related disorder. Also called: PCSK1-related condition.

gnomAD v4.1: 1 of 1,613,356 alleles (0.000062%); no homozygotes.

Submission:

PreventionGenetics, part of Exact Sciences
Classification: Likely benign for PCSK1-related condition. Last evaluated: 2024-09-01. Review status: no assertion criteria provided. Collection method: clinical testing. Allele origin: germline.
Comment: This variant is classified as likely benign based on ACMG/AMP sequence variant interpretation guidelines (Richards et al. 2015 PMID: 25741868, with internal and published modifications).

NM_000439.5(PCSK1):c.171T>C (p.Leu57=)

Genes: CAST (calpastatin; plus strand), PCSK1 (proprotein convertase subtilisin/kexin type 1; minus strand), LOC101929710 (uncharacterized LOC101929710; plus strand). Cytogenetic location: 5q15.
Variant type: single nucleotide variant.
Coding change: c.171T>C on transcript NM_000439.5 (MANE Select); coding-DNA position 171, T replaced by C.
Protein change: p.Leu57=; no amino-acid change (leucine 57 retained).
Molecular consequence: synonymous variant. On other transcripts: intron variant (11).
Genome position (GRCh38, 1-based): chr5:96,432,872, A>G on the plus strand (T>C on the coding strand, the complement: PCSK1 is on the minus strand). VCF-style: chr5-96432872-A-G. GRCh37 (hg19) VCF-style: chr5-95768576-A-G.
Other names: c.-175+53220A>G (NM_001423254.1, NM_001423259.1, NM_001423255.1 and 6 more transcripts); c.-103+53220A>G (NM_001423253.1); c.-40+53220A>G (NM_001423258.1).
Identifiers: ClinVar variation 3345626 (VCV003345626.1).
Genomic context (GRCh38, chr5:96,432,872, plus strand): 5'-CCGCCAGTCCCCTGGGGCCCCAGAAAGTTTCTTGAAAGTGGAAACTCTTACCTGACCCAA[A>G]AGGTCATAGCCCAGCTCCTCGGCGATGGCCGAGGCTGCTTCCGGGCCCCCGGGGATCTCC-3'
Protein context (NP_000430.3, residues 47-67): SAIAEELGYD[Leu57=]LGQIGSLENH